The following is an entry in ClinVar:

ClinVar aggregate classification (germline): Uncertain significance (1 of 4 stars; one submission).

gnomAD v4.1: 2 of 1,614,192 alleles (0.00012%); no homozygotes.

Submission:

Labcorp Genetics (formerly Invitae), Labcorp
Classification: Uncertain significance. Last evaluated: 2022-07-31. Review status: criteria provided, single submitter. Criteria: Invitae Variant Classification Sherloc (09022015). Collection method: clinical testing. Allele origin: germline.
Comment: This variant is not present in population databases (gnomAD no frequency). In summary, the available evidence is currently insufficient to determine the role of this variant in disease. Therefore, it has been classified as a Variant of Uncertain Significance. Advanced modeling of protein sequence and biophysical properties (such as structural, functional, and spatial information, amino acid conservation, physicochemical variation, residue mobility, and thermodynamic stability) performed at Invitae indicates that this missense variant is expected to disrupt CYP4V2 protein function. This variant has not been reported in the literature in individuals affected with CYP4V2-related conditions. This sequence change replaces lysine, which is basic and polar, with glutamic acid, which is acidic and polar, at codon 478 of the CYP4V2 protein (p.Lys478Glu).

NM_207352.4(CYP4V2):c.1432A>G (p.Lys478Glu)

Gene: CYP4V2 (cytochrome P450 family 4 subfamily V member 2; plus strand). Cytogenetic location: 4q35.2.
Variant type: single nucleotide variant.
Coding change: c.1432A>G on transcript NM_207352.4 (MANE Select); coding-DNA position 1432, A replaced by G.
Protein change: p.Lys478Glu; replaces lysine 478 with glutamic acid.
Molecular consequence: missense variant.
Genome position (GRCh38, 1-based): chr4:186,210,495, A>G. VCF-style: chr4-186210495-A-G. GRCh37 (hg19) VCF-style: chr4-187131649-A-G.
Other names: short protein forms K478E.
Identifiers: ClinVar variation 1914387 (VCV001914387.5), dbSNP rs2476822189, ClinGen allele CA358950795.